The following is an entry in ClinVar:

NM_173660.5(DOK7):c.812G>C (p.Ser271Thr)

Gene: DOK7 (docking protein 7; plus strand). Cytogenetic location: 4p16.3.
Variant type: single nucleotide variant.
Coding change: c.812G>C on transcript NM_173660.5 (MANE Select); coding-DNA position 812, G replaced by C.
Protein change: p.Ser271Thr; replaces serine 271 with threonine.
Molecular consequence: missense variant. On other transcripts: 3 prime UTR variant (1), 5 prime UTR variant (1).
Genome position (GRCh38, 1-based): chr4:3,492,798, G>C. VCF-style: chr4-3492798-G-C. GRCh37 (hg19) VCF-style: chr4-3494525-G-C.
Other names: c.*33G>C (NM_001164673.2); c.-119G>C (NM_001256896.2); c.812G>C, p.Ser271Thr (NM_001301071.2); c.380G>C, p.Ser127Thr (NM_001363811.2); short protein forms S271T, S127T.
Identifiers: ClinVar variation 534129 (VCV000534129.20), dbSNP rs144592743, ClinGen allele CA2829235.

ClinVar aggregate classification (germline): Conflicting classifications of pathogenicity. Review status: criteria provided, conflicting classifications (1 of 4 stars). 7 submissions from 7 submitters: Uncertain significance (1); Likely benign (5). 1 of the submissions does not count toward it. Last evaluated 2026-01-26.

Conditions:
DOK7-related disorder. Also called: DOK7-related condition.
Fetal akinesia deformation sequence 1 (FADS1). Also called: Fetal akinesia sequence; Pena-Shokeir syndrome type I. Identifiers: Orphanet 994, MedGen C1276035, MONDO:0100101, OMIM 208150, HP:0001989.
Congenital myasthenic syndrome 10. Also called: Myasthenia, limb-girdle, familial. Identifiers: Orphanet 590, MedGen C1850792, MONDO:0009690, OMIM 254300.
Inborn genetic diseases. Identifiers: MedGen C0950123, MeSH D030342.

Allele frequency attached by ClinVar (database versions not stated): gnomAD exomes 0.00014 and 0.00050; ExAC 0.00057; 1000 Genomes Project 0.00180; gnomAD 0.00189 and 0.00202; TOPMed 0.00195; ESP Exome Variant Server 0.00200.
gnomAD v4.1: 515 of 1,612,756 alleles (0.032%); highest among the groups gnomAD compares: African/African-American, 0.61%; 2 homozygotes.

Submissions (7):

Labcorp Genetics (formerly Invitae), Labcorp
Classification: Likely benign for Congenital myasthenic syndrome 10; Fetal akinesia deformation sequence 1. Last evaluated: 2026-01-26. Review status: criteria provided, single submitter. Criteria: Invitae Variant Classification Sherloc (09022015). Collection method: clinical testing. Allele origin: germline.

Ambry Genetics
Classification: Uncertain significance for Inborn genetic diseases. Last evaluated: 2025-08-05. Review status: criteria provided, single submitter. Criteria: Ambry Variant Classification Scheme 2023. Collection method: clinical testing. Allele origin: germline.

Blueprint Genetics
Classification: Likely benign. Last evaluated: 2024-08-28. Review status: criteria provided, single submitter. Criteria: ACMG Guidelines, 2015. Collection method: clinical testing. Allele origin: germline.

Women's Health and Genetics/Laboratory Corporation of America, LabCorp
Classification: Likely benign. Last evaluated: 2024-07-02. Review status: criteria provided, single submitter. Criteria: LabCorp Variant Classification Summary - May 2015. Collection method: clinical testing. Allele origin: germline.
Comment: Variant summary: DOK7 c.812G>C (p.Ser271Thr) results in a conservative amino acid change in the encoded protein sequence. Three of five in-silico tools predict a damaging effect of the variant on protein function. The variant allele was found at a frequency of 0.0005 in 247802 control chromosomes, predominantly at a frequency of 0.007 within the African or African-American subpopulation in the gnomAD database, including 1 homozygote. The observed variant frequency within African or African-American control individuals in the gnomAD database is approximately 5-fold of the estimated maximal expected allele frequency for a pathogenic variant in DOK7 causing Congenital Myasthenic Syndrome phenotype (0.0014). To our knowledge, no occurrence of c.812G>C in individuals affected with Congenital Myasthenic Syndrome and no experimental evidence demonstrating its impact on protein function have been reported. ClinVar contains an entry for this variant (Variation ID: 534129). Based on the evidence outlined above, the variant was classified as likely benign.

GeneDx
Classification: Likely benign. Last evaluated: 2020-11-06. Review status: criteria provided, single submitter. Criteria: GeneDx Variant Classification Process June 2021. Collection method: clinical testing. Allele origin: germline. Affected: yes.

Breakthrough Genomics
Classification: Likely benign. Review status: criteria provided, single submitter. Criteria: ACMG Guidelines, 2015. Collection method: not provided. Allele origin: germline. Inheritance: Autosomal recessive inheritance. Affected: yes.

PreventionGenetics, part of Exact Sciences
Classification: Benign for DOK7-related condition. Last evaluated: 2019-08-13. Review status: no assertion criteria provided. Collection method: clinical testing. Allele origin: germline. Not counted in ClinVar's aggregate classification.
Comment: This variant is classified as benign based on ACMG/AMP sequence variant interpretation guidelines (Richards et al. 2015 PMID: 25741868, with internal and published modifications).